The following is an entry in ClinVar:

ClinVar aggregate classification (germline): Conflicting classifications of pathogenicity. Review status: criteria provided, conflicting classifications (1 of 4 stars). 7 submissions from 7 submitters: Uncertain significance (4); Likely benign (3). Last evaluated 2025-12-23.

Conditions:
Hereditary breast ovarian cancer syndrome. Also called: Hereditary breast and ovarian cancer syndrome (HBOC); Hereditary breast and ovarian cancer; BRCA1- and BRCA2-Associated Hereditary Breast and Ovarian Cancer; Breast and ovarian cancer; Hereditary breast and ovarian cancer syndrome; Hereditary breast and/or ovarian cancer syndrome. Identifiers: Orphanet 145, MedGen C0677776, MeSH D061325, MONDO:0003582. Disease mechanism: loss of function.
Breast-ovarian cancer, familial, susceptibility to, 1 (BROVCA1). Also called: OVARIAN CANCER, SUSCEPTIBILITY TO; BRCA1 Hereditary Breast and Ovarian Cancer. Identifiers: Orphanet 145, MedGen C2676676, MONDO:0011450, OMIM 604370. Disease mechanism: loss of function.
Hereditary cancer-predisposing syndrome. Also called: Hereditary neoplastic syndrome; Tumor predisposition; Hereditary Cancer Syndrome; Neoplastic Syndromes, Hereditary. Identifiers: Orphanet 140162, MedGen C0027672, MeSH D009386, MONDO:0015356.

Allele frequency attached by ClinVar (database versions not stated): gnomAD exomes below 0.00001.
gnomAD v4.1: 3 of 1,614,092 alleles (0.00019%); highest among the groups gnomAD compares: African/African-American, 0.0013%; no homozygotes.

Submissions (7):

Labcorp Genetics (formerly Invitae), Labcorp
Classification: Uncertain significance for Hereditary breast ovarian cancer syndrome. Last evaluated: 2025-12-23. Review status: criteria provided, single submitter. Criteria: Invitae Variant Classification Sherloc (09022015). Collection method: clinical testing. Allele origin: germline.
Comment: This sequence change replaces serine, which is neutral and polar, with asparagine, which is neutral and polar, at codon 681 of the BRCA1 protein (p.Ser681Asn). This variant is present in population databases (no rsID available, gnomAD 0.0009%). This variant has not been reported in the literature in individuals affected with BRCA1-related conditions. ClinVar contains an entry for this variant (Variation ID: 630466). Invitae Evidence Modeling of protein sequence and biophysical properties (such as structural, functional, and spatial information, amino acid conservation, physicochemical variation, residue mobility, and thermodynamic stability) indicates that this missense variant is not expected to disrupt BRCA1 protein function with a negative predictive value of 80%. In summary, the available evidence is currently insufficient to determine the role of this variant in disease. Therefore, it has been classified as a Variant of Uncertain Significance.

Center for Genomic Medicine, Rigshospitalet, Copenhagen University Hospital
Classification: Likely benign. Last evaluated: 2025-03-04. Review status: criteria provided, single submitter. Criteria: ACMG Guidelines, 2015. Collection method: clinical testing. Allele origin: germline.

Ambry Genetics
Classification: Likely benign for Hereditary cancer-predisposing syndrome. Last evaluated: 2024-09-17. Review status: criteria provided, single submitter. Criteria: Ambry Variant Classification Scheme 2023. Collection method: clinical testing. Allele origin: germline.

University of Washington Department of Laboratory Medicine, University of Washington
Classification: Likely benign for Hereditary cancer-predisposing syndrome. Last evaluated: 2023-03-23. Review status: criteria provided, single submitter. Criteria: Dines et al. (Genet Med. 2020). Collection method: curation. Allele origin: germline.
Comment: Missense variant in a coldspot region where missense variants are very unlikely to be pathogenic (PMID:31911673).

BRCA1 coldspot (exon 11 using historical exon numbering). Reclassification based on statistical prior probability

All of Us Research Program, National Institutes of Health
Classification: Uncertain significance for Breast-ovarian cancer, familial, susceptibility to, 1. Last evaluated: 2023-02-24. Review status: criteria provided, single submitter. Criteria: ACMG Guidelines, 2015. Collection method: clinical testing. Allele origin: germline. Inheritance: Autosomal dominant inheritance. Observed: 1 variant allele, 1 heterozygote.
Comment: This missense variant replaces serine with asparagine at codon 681 of the BRCA1 protein. Computational prediction suggests that this variant may not impact protein structure and function (internally defined REVEL score threshold <= 0.5, PMID: 27666373). To our knowledge, functional studies have not been reported for this variant. This variant has been detected in a breast cancer case-control meta-analysis in 1/60466 cases and 2/53461 unaffected individuals (PMID: 33471991; Leiden Open Variation Database DB-ID BRCA1_002608). This variant has been identified in 1/251312 chromosomes in the general population by the Genome Aggregation Database (gnomAD). The available evidence is insufficient to determine the role of this variant in disease conclusively. Therefore, this variant is classified as a Variant of Uncertain Significance.

This study involves interpretation of variants in research participants for the purpose of population health screening. Participant phenotype was not available at the time of variant classification. Additional details can be found in publication PMID: 35346344, PMCID: PMC8962531

Color Diagnostics, LLC DBA Color Health
Classification: Uncertain significance for Hereditary cancer-predisposing syndrome. Last evaluated: 2023-01-04. Review status: criteria provided, single submitter. Criteria: ACMG Guidelines, 2015. Collection method: clinical testing. Allele origin: germline.
Comment: This missense variant replaces serine with asparagine at codon 681 of the BRCA1 protein. Computational prediction suggests that this variant may not impact protein structure and function (internally defined REVEL score threshold <= 0.5, PMID: 27666373). To our knowledge, functional studies have not been reported for this variant. This variant has been detected in a breast cancer case-control meta-analysis in 1/60466 cases and 2/53461 unaffected individuals (PMID: 33471991; Leiden Open Variation Database DB-ID BRCA1_002608). This variant has been identified in 1/251312 chromosomes in the general population by the Genome Aggregation Database (gnomAD). The available evidence is insufficient to determine the role of this variant in disease conclusively. Therefore, this variant is classified as a Variant of Uncertain Significance.

GeneDx
Classification: Uncertain significance. Last evaluated: 2021-01-14. Review status: criteria provided, single submitter. Criteria: GeneDx Variant Classification Process June 2021. Collection method: clinical testing. Allele origin: germline. Affected: yes.
Comment: Not observed at a significant frequency in large population cohorts (Lek 2016); In silico analysis supports that this missense variant does not alter protein structure/function; Has not been previously published as pathogenic or benign to our knowledge; This variant is associated with the following publications: (PMID: 25348012)

Literature cited by the submitters: PubMed 33471991 (cited by All of Us Research Program, National Institutes of Health and Color Diagnostics, LLC DBA Color Health).

NM_007294.4(BRCA1):c.2042G>A (p.Ser681Asn)

Gene: BRCA1 (BRCA1 DNA repair associated; minus strand). Cytogenetic location: 17q21.31.
Variant type: single nucleotide variant.
Coding change: c.2042G>A on transcript NM_007294.4 (MANE Select); coding-DNA position 2042, G replaced by A.
Protein change: p.Ser681Asn; replaces serine 681 with asparagine.
Molecular consequence: missense variant. On other transcripts: intron variant (137).
Genome position (GRCh38, 1-based): chr17:43,093,489, C>T on the plus strand (G>A on the coding strand, the complement: BRCA1 is on the minus strand). VCF-style: chr17-43093489-C-T. GRCh37 (hg19) VCF-style: chr17-41245506-C-T.
Other names: c.784+1255G>A (NM_001407991.1, NM_001408407.1, NM_001408402.1 and 13 more transcripts); c.664+1255G>A (NM_001408427.1, NM_001408443.1, NM_001408439.1 and 12 more transcripts); c.523+1255G>A (NM_001408496.1, NM_001408499.1, NM_001408498.1 and 3 more transcripts); c.646+1255G>A (NM_001408460.1, NM_001408454.1, NM_001408456.1 and 11 more transcripts); c.706+1255G>A (NM_001408413.1, NM_001408416.1); c.586+1255G>A (NM_001408476.1, NM_001408474.1); c.709+1255G>A (NM_001408409.1, NM_001408414.1, NM_001408411.1 and 2 more transcripts); c.574+1255G>A (NM_001408493.1, NM_001408490.1, NM_001408491.1); and 40 more; short protein forms S681N, S634N, S553N, S614N, S633N, S640N, S655N, S678N.
Identifiers: ClinVar variation 630466 (VCV000630466.26), dbSNP rs1452826319, ClinGen allele CA10597924.